The following is an entry in ClinVar:

ClinVar aggregate classification (germline): Benign/Likely benign. Review status: criteria provided, multiple submitters, no conflicts (2 of 4 stars). 12 submissions from 10 submitters: Benign (4); Likely benign (6). 2 of the submissions do not count toward it. Last evaluated 2026-10-01.

Conditions:
Amyotrophic lateral sclerosis type 5 (ALS5). Also called: AMYOTROPHIC LATERAL SCLEROSIS 5, JUVENILE. Identifiers: Orphanet 300605, MedGen C1865864, MONDO:0011196, OMIM 602099.
Hereditary spastic paraplegia 11. Also called: Spastic Paraplegia 11; Spastic paraplegia, mental retardation and thin corpus callosum; Autosomal recessive hereditary spastic paraplegia, mental impairment, and thin corpus callosum; Nakamura Osame syndrome; SPASTIC PARAPLEGIA, AUTOSOMAL RECESSIVE, COMPLICATED, WITH THIN CORPUS CALLOSUM; SPASTIC PARAPLEGIA, AUTOSOMAL RECESSIVE, WITH MENTAL IMPAIRMENT AND THIN CORPUS CALLOSUM. Identifiers: Orphanet 2822, MedGen C1858479, MONDO:0011445, OMIM 604360.
Charcot-Marie-Tooth disease axonal type 2X. Also called: CHARCOT-MARIE-TOOTH DISEASE, AXONAL, AUTOSOMAL RECESSIVE, TYPE 2X; CHARCOT-MARIE-TOOTH NEUROPATHY, TYPE 2X. Identifiers: Orphanet 466775, MedGen C5569024, MONDO:0014726, OMIM 616668.

Allele frequency attached by ClinVar (database versions not stated): gnomAD exomes 0.00103; ExAC 0.00122; gnomAD 0.00425 and 0.00449; TOPMed 0.00444; ESP Exome Variant Server 0.00446; 1000 Genomes Project 0.00459; 1000 Genomes Project 30x 0.00593.
gnomAD v4.1: 1,187 of 1,613,906 alleles (0.074%); highest among the groups gnomAD compares: African/African-American, 1.4%; 11 homozygotes.

Submissions (12):

CeGaT Center for Human Genetics Tuebingen
Classification: Likely benign. Last evaluated: 2026-10-01. Review status: criteria provided, single submitter. Criteria: CeGaT Center For Human Genetics Tuebingen Variant Classification Criteria Version 2. Collection method: clinical testing. Allele origin: germline. Affected: yes. Observed: 3 variant alleles.
Comment: SPG11: BS1

Labcorp Genetics (formerly Invitae), Labcorp
Classification: Benign for Hereditary spastic paraplegia 11. Last evaluated: 2026-01-25. Review status: criteria provided, single submitter. Criteria: Invitae Variant Classification Sherloc (09022015). Collection method: clinical testing. Allele origin: germline.

Mayo Clinic Laboratories, Mayo Clinic
Classification: Benign. Last evaluated: 2023-09-22. Review status: criteria provided, single submitter. Criteria: ACMG Guidelines, 2015. Collection method: clinical testing. Allele origin: germline. Observed: 5 variant alleles.
Comment: BA1, BS2

Athena Diagnostics
Classification: Benign. Last evaluated: 2021-01-21. Review status: criteria provided, single submitter. Criteria: Athena Diagnostics criteria. Collection method: clinical testing. Allele origin: unknown.

GeneDx
Classification: Benign. Last evaluated: 2019-08-12. Review status: criteria provided, single submitter. Criteria: GeneDx Variant Classification Process June 2021. Collection method: clinical testing. Allele origin: germline. Affected: yes.
Comment: This variant is associated with the following publications: (PMID: 25588603)

Center for Pediatric Genomic Medicine, Children's Mercy Hospital and Clinics
Classification: Likely benign. Last evaluated: 2016-11-22. Review status: criteria provided, single submitter. Criteria: ACMG Guidelines, 2015. Collection method: clinical testing. Allele origin: germline.
ClinVar note: Converted during submission from Likely Benign to Likely benign.

Breakthrough Genomics
Classification: Likely benign. Review status: criteria provided, single submitter. Criteria: ACMG Guidelines, 2015. Collection method: not provided. Allele origin: germline. Inheritance: Autosomal recessive inheritance. Affected: yes.

Genome-Nilou Lab
Classification: Likely benign for Amyotrophic lateral sclerosis type 5. Review status: criteria provided, single submitter. Criteria: ACMG Guidelines, 2015. Collection method: clinical testing. Allele origin: germline.

Genome-Nilou Lab
Classification: Likely benign for Charcot-Marie-Tooth disease axonal type 2X. Review status: criteria provided, single submitter. Criteria: ACMG Guidelines, 2015. Collection method: clinical testing. Allele origin: germline.

Genome-Nilou Lab
Classification: Likely benign for Hereditary spastic paraplegia 11. Review status: criteria provided, single submitter. Criteria: ACMG Guidelines, 2015. Collection method: clinical testing. Allele origin: germline.

Clinical Genetics DNA and cytogenetics Diagnostics Lab, Erasmus MC, Erasmus Medical Center
Classification: Likely benign. Review status: no assertion criteria provided. Collection method: clinical testing. Allele origin: germline. Affected: yes. Study: VKGL Data-share Consensus. Not counted in ClinVar's aggregate classification.

Genome Diagnostics Laboratory, University Medical Center Utrecht
Classification: Likely benign. Review status: no assertion criteria provided. Collection method: clinical testing. Allele origin: germline. Affected: yes. Study: VKGL Data-share Consensus. Not counted in ClinVar's aggregate classification.

Literature cited by the submitters: PubMed 25588603 (cited by Mayo Clinic Laboratories, Mayo Clinic and Athena Diagnostics).

NM_025137.4(SPG11):c.4923G>C (p.Lys1641Asn)

Gene: SPG11 (SPG11 vesicle trafficking associated, spatacsin; minus strand). Cytogenetic location: 15q21.1.
Variant type: single nucleotide variant.
Coding change: c.4923G>C on transcript NM_025137.4 (MANE Select); coding-DNA position 4923, G replaced by C.
Protein change: p.Lys1641Asn; replaces lysine 1641 with asparagine.
Molecular consequence: missense variant.
Genome position (GRCh38, 1-based): chr15:44,585,834, C>G on the plus strand (G>C on the coding strand, the complement: SPG11 is on the minus strand). VCF-style: chr15-44585834-C-G. GRCh37 (hg19) VCF-style: chr15-44878032-C-G.
Other names: c.4923G>C, p.Lys1641Asn (NM_001160227.2); short protein forms K1641N.
Identifiers: ClinVar variation 376990 (VCV000376990.23), dbSNP rs150218102, ClinGen allele CA7534527.
Genomic context (GRCh38, chr15:44,585,834, plus strand): 5'-AATAATTGTATGATTAATGGCTATGGATGTATCCTTCAAAATCTGGCAAAGGATGCAAAG[C>G]TTTTTCACATCTGGACCTGTGCCAAAGAGAAAAGGATATAAACATTTAGTCAATAAAATG-3'
Protein context (NP_079413.3, residues 1631-1651): HLFSDGPDVK[Lys1641Asn]LCILCQILKD